The following is an entry in ClinVar:

ClinVar aggregate classification (germline): Uncertain significance (1 of 4 stars; one submission).

Allele frequency attached by ClinVar (database versions not stated): gnomAD 0.00001.

Submission:

Labcorp Genetics (formerly Invitae), Labcorp
Classification: Uncertain significance. Last evaluated: 2023-09-22. Review status: criteria provided, single submitter. Criteria: Invitae Variant Classification Sherloc (09022015). Collection method: clinical testing. Allele origin: germline.
Comment: In summary, the available evidence is currently insufficient to determine the role of this variant in disease. Therefore, it has been classified as a Variant of Uncertain Significance. Advanced modeling of protein sequence and biophysical properties (such as structural, functional, and spatial information, amino acid conservation, physicochemical variation, residue mobility, and thermodynamic stability) performed at Invitae indicates that this missense variant is not expected to disrupt RAI1 protein function. This variant has not been reported in the literature in individuals affected with RAI1-related conditions. This variant is present in population databases (no rsID available, gnomAD 0.01%). This sequence change replaces proline, which is neutral and non-polar, with alanine, which is neutral and non-polar, at codon 1281 of the RAI1 protein (p.Pro1281Ala).

NM_030665.4(RAI1):c.3841C>G (p.Pro1281Ala)

Gene: RAI1 (retinoic acid induced 1; plus strand). Cytogenetic location: 17p11.2.
Variant type: single nucleotide variant.
Coding change: c.3841C>G on transcript NM_030665.4 (MANE Select); coding-DNA position 3841, C replaced by G.
Protein change: p.Pro1281Ala; replaces proline 1281 with alanine.
Molecular consequence: missense variant.
Genome position (GRCh38, 1-based): chr17:17,796,789, C>G. VCF-style: chr17-17796789-C-G. GRCh37 (hg19) VCF-style: chr17-17700103-C-G.
Other names: short protein forms P1281A.
Identifiers: ClinVar variation 2762727 (VCV002762727.3), dbSNP rs1448214549, ClinGen allele CA398555052.
Genomic context (GRCh38, chr17:17,796,789, plus strand): 5'-GAGAGGCCTGAGGGTTCCCCCACCCTCTTCAAGAGGATGTCTTCTCCCAAGAAAGCCAAG[C>G]CCACCAAGGGCAATGGCGAGCCTGCCACAAAGCTCCCACCCCCGGAGACCCCCGATGCCT-3'
Protein context (NP_109590.3, residues 1271-1291): KRMSSPKKAK[Pro1281Ala]TKGNGEPATK